The following is an entry in ClinVar:

NM_183357.3(ADCY5):c.238G>C (p.Asp80His)

Gene: ADCY5 (adenylate cyclase 5; minus strand). Cytogenetic location: 3q21.1.
Variant type: single nucleotide variant.
Coding change: c.238G>C on transcript NM_183357.3 (MANE Select); coding-DNA position 238, G replaced by C.
Protein change: p.Asp80His; replaces aspartic acid 80 with histidine.
Molecular consequence: missense variant.
Genome position (GRCh38, 1-based): chr3:123,448,308, C>G on the plus strand (G>C on the coding strand, the complement: ADCY5 is on the minus strand). VCF-style: chr3-123448308-C-G. GRCh37 (hg19) VCF-style: chr3-123167155-C-G.
Other names: c.238G>C, p.Asp80His (NM_001378259.1); short protein forms D80H.
Identifiers: ClinVar variation 2899456 (VCV002899456.3), dbSNP rs750872257, ClinGen allele CA354358633.

ClinVar aggregate classification (germline): Uncertain significance (1 of 4 stars; one submission).

Allele frequency attached by ClinVar (database versions not stated): TOPMed 0.00001.
gnomAD v4.1: 84 of 1,523,080 alleles (0.0055%); highest among the groups gnomAD compares: Non-Finnish European, 0.0072%; no homozygotes.

Submission:

Labcorp Genetics (formerly Invitae), Labcorp
Classification: Uncertain significance. Last evaluated: 2023-10-16. Review status: criteria provided, single submitter. Criteria: Invitae Variant Classification Sherloc (09022015). Collection method: clinical testing. Allele origin: germline.
Comment: This sequence change replaces aspartic acid, which is acidic and polar, with histidine, which is basic and polar, at codon 80 of the ADCY5 protein (p.Asp80His). The frequency data for this variant in the population databases is considered unreliable, as metrics indicate poor data quality at this position in the gnomAD database. This variant has not been reported in the literature in individuals affected with ADCY5-related conditions. Advanced modeling of protein sequence and biophysical properties (such as structural, functional, and spatial information, amino acid conservation, physicochemical variation, residue mobility, and thermodynamic stability) performed at Invitae indicates that this missense variant is not expected to disrupt ADCY5 protein function. In summary, the available evidence is currently insufficient to determine the role of this variant in disease. Therefore, it has been classified as a Variant of Uncertain Significance.